The following is an entry in ClinVar:

NM_015272.5(RPGRIP1L):c.1163A>G (p.Gln388Arg)

Gene: RPGRIP1L (RPGRIP1 like; minus strand). Cytogenetic location: 16q12.2.
Variant type: single nucleotide variant.
Coding change: c.1163A>G on transcript NM_015272.5 (MANE Select); coding-DNA position 1163, A replaced by G.
Protein change: p.Gln388Arg; replaces glutamine 388 with arginine.
Molecular consequence: missense variant.
Genome position (GRCh38, 1-based): chr16:53,664,950, T>C on the plus strand (A>G on the coding strand, the complement: RPGRIP1L is on the minus strand). VCF-style: chr16-53664950-T-C. GRCh37 (hg19) VCF-style: chr16-53698862-T-C.
Other names: c.1163A>G, p.Gln388Arg (NM_001127897.4, NM_001308334.3, NM_001330538.2); short protein forms Q388R.
Identifiers: ClinVar variation 1422033 (VCV001422033.9), dbSNP rs181526554, ClinGen allele CA281351163.

ClinVar aggregate classification (germline): Uncertain significance. Review status: criteria provided, multiple submitters, no conflicts (2 of 4 stars). 2 submissions from 2 submitters: Uncertain significance (2). Last evaluated 2022-10-04.

Conditions:
Meckel syndrome, type 5 (MKS5). Identifiers: Orphanet 564, MedGen C1969052, MONDO:0012695, OMIM 611561.
COACH syndrome 3. Identifiers: MedGen C5436841, MONDO:0030862, OMIM 619113.
Joubert syndrome 7 (JBTS7). Identifiers: Orphanet 220497, MedGen C1969053, MONDO:0012694, OMIM 611560.
Joubert syndrome. Also called: CEREBELLOPARENCHYMAL DISORDER IV; JOUBERT-BOLTSHAUSER SYNDROME; Familial aplasia of the vermis. Identifiers: Orphanet 475, MedGen C5979921, MONDO:0018772.
Meckel-Gruber syndrome. Also called: DYSENCEPHALIA SPLANCHNOCYSTICA; GRUBER SYNDROME; Dysencephalia splachnocystica. Identifiers: Orphanet 564, MedGen C0265215, MONDO:0018921.

Allele frequency attached by ClinVar (database versions not stated): TOPMed below 0.00001; gnomAD 0.00001; 1000 Genomes Project 30x 0.00016; gnomAD exomes below 0.00001; 1000 Genomes Project 0.00020.
gnomAD v4.1: 5 of 1,613,484 alleles (0.00031%); highest among the groups gnomAD compares: Non-Finnish European, 0.00042%; no homozygotes.

Submissions (2):

Labcorp Genetics (formerly Invitae), Labcorp
Classification: Uncertain significance for Joubert syndrome; Meckel-Gruber syndrome. Last evaluated: 2022-10-04. Review status: criteria provided, single submitter. Criteria: Invitae Variant Classification Sherloc (09022015). Collection method: clinical testing. Allele origin: germline.
Comment: This variant is not present in population databases (gnomAD no frequency). In summary, the available evidence is currently insufficient to determine the role of this variant in disease. Therefore, it has been classified as a Variant of Uncertain Significance. Advanced modeling of protein sequence and biophysical properties (such as structural, functional, and spatial information, amino acid conservation, physicochemical variation, residue mobility, and thermodynamic stability) performed at Invitae indicates that this missense variant is not expected to disrupt RPGRIP1L protein function. ClinVar contains an entry for this variant (Variation ID: 1422033). This variant has not been reported in the literature in individuals affected with RPGRIP1L-related conditions. This sequence change replaces glutamine, which is neutral and polar, with arginine, which is basic and polar, at codon 388 of the RPGRIP1L protein (p.Gln388Arg).

Fulgent Genetics
Classification: Uncertain significance for Joubert syndrome 7; Meckel syndrome, type 5; COACH syndrome 3. Last evaluated: 2022-04-11. Review status: criteria provided, single submitter. Criteria: ACMG Guidelines, 2015. Collection method: clinical testing. Allele origin: unknown.